The following is an entry in ClinVar:

NM_001395656.1(ROBO2):c.95G>A (p.Arg32Gln)

Gene: ROBO2 (roundabout guidance receptor 2; plus strand). Cytogenetic location: 3p12.3.
Variant type: single nucleotide variant.
Coding change: c.95G>A on transcript NM_001395656.1 (MANE Select); coding-DNA position 95, G replaced by A.
Protein change: p.Arg32Gln; replaces arginine 32 with glutamine.
Molecular consequence: missense variant. On other transcripts: 5 prime UTR variant (1).
Genome position (GRCh38, 1-based): chr3:77,098,047, G>A. VCF-style: chr3-77098047-G-A. GRCh37 (hg19) VCF-style: chr3-77147198-G-A.
Other names: c.143G>A, p.Arg48Gln (NM_001128929.3, NM_001378190.1, NM_001378191.1 and 5 more transcripts); c.95G>A, p.Arg32Gln (NM_001290039.2, NM_001290040.2, NM_001378193.1 and 3 more transcripts); c.-1824G>A (NM_001290065.2); c.164G>A, p.Arg55Gln (NM_001378192.1, NM_001378194.1, NM_001378198.1 and 5 more transcripts); short protein forms R48Q, R32Q, R55Q.
Identifiers: ClinVar variation 562383 (VCV000562383.3), dbSNP rs754279676, ClinGen allele CA77963830.

ClinVar aggregate classification (germline): Uncertain significance. Review status: criteria provided, single submitter (1 of 4 stars). 2 submissions from 2 submitters: Uncertain significance (1). 1 of the submissions does not count toward it. Last evaluated 2021-01-09.

Conditions:
Congenital anomaly of kidney and urinary tract. Also called: Congenital anomalies of kidney and urinary tract; Congenital anomalies of the kidney and urinary tract. Identifiers: Orphanet 93545, MedGen C1968949, MeSH C566906, MONDO:0019719.

Allele frequency attached by ClinVar (database versions not stated): gnomAD exomes below 0.00001; TOPMed 0.00001.
gnomAD v4.1: 2 of 1,586,712 alleles (0.00013%); highest among the groups gnomAD compares: Non-Finnish European, 0.00017%; no homozygotes.

Submissions (2):

Institute of Human Genetics, University of Leipzig Medical Center
Classification: Uncertain significance for Congenital anomaly of kidney and urinary tract. Last evaluated: 2021-01-09. Review status: criteria provided, single submitter. Criteria: ACMG Guidelines, 2015. Collection method: curation. Allele origin: germline. Affected: yes.
Comment: This ROBO2 variant was reported as Likely pathogenicâ€‹ in PMID: 30586318 with original nomenclature reported as p.R32Q. Variant was re-classified as Uncertain Significance based on the criteria PM1_Moderate, PM2_Supporting.

Gharavi Laboratory, Columbia University
Classification: Likely pathogenic. Last evaluated: 2018-09-16. Review status: no assertion criteria provided. Criteria: ACMG Guidelines, 2015. Collection method: research. Allele origin: germline. Affected: yes. Not counted in ClinVar's aggregate classification.

Literature cited by the submitters: PubMed 30586318 (cited by Institute of Human Genetics, University of Leipzig Medical Center).